The following is an entry in ClinVar:

NM_002471.4(MYH6):c.4850A>C (p.Lys1617Thr)

Genes: MYH6 (myosin heavy chain 6; minus strand), LOC126861896 (BRD4-independent group 4 enhancer GRCh37_chr14:23854904-23856103; plus strand). Cytogenetic location: 14q11.2.
Variant type: single nucleotide variant.
Coding change: c.4850A>C on transcript NM_002471.4 (MANE Select); coding-DNA position 4850, A replaced by C.
Protein change: p.Lys1617Thr; replaces lysine 1617 with threonine.
Molecular consequence: missense variant.
Genome position (GRCh38, 1-based): chr14:23,386,424, T>G on the plus strand (A>C on the coding strand, the complement: MYH6 is on the minus strand). VCF-style: chr14-23386424-T-G. GRCh37 (hg19) VCF-style: chr14-23855633-T-G.
Other names: short protein forms K1617T.
Identifiers: ClinVar variation 1743580 (VCV001743580.9), dbSNP rs141375292, ClinGen allele CA7114622.

ClinVar aggregate classification (germline): Uncertain significance. Review status: criteria provided, multiple submitters, no conflicts (2 of 4 stars). 3 submissions from 3 submitters: Uncertain significance (3). Last evaluated 2026-01-04.

Conditions:
MYH6-related disorder. Also called: MYH6-Related Disorders; MYH6-related condition.
Hypertrophic cardiomyopathy 14. Identifiers: MedGen C2750467, MONDO:0013197, OMIM 613251.
Cardiovascular phenotype. Identifiers: MedGen CN230736.

Allele frequency attached by ClinVar (database versions not stated): ExAC 0.00001; gnomAD 0.00001; gnomAD exomes 0.00001; TOPMed 0.00001; ESP Exome Variant Server 0.00008.
gnomAD v4.1: 8 of 1,614,084 alleles (0.0005%); highest among the groups gnomAD compares: Admixed American, 0.0017%; no homozygotes.

Submissions (3):

PreventionGenetics, part of Exact Sciences
Classification: Uncertain significance for MYH6-related condition. Last evaluated: 2026-01-04. Review status: criteria provided, single submitter. Criteria: ACMG Guidelines, 2015. Collection method: clinical testing. Allele origin: germline.
Comment: The MYH6 c.4850A>C variant is predicted to result in the amino acid substitution p.Lys1617Thr. This variant has been reported in individuals with left ventricular noncompaction and in an individual with left ventricular hypertrabeculation (Table S3 in Miszalski-Jamka et al. 2017. PubMed ID: 28798025; Piekutowska-Abramczuk et al. 2022. PubMed ID: 35893073). This variant is reported in 0.0018% of alleles in individuals of European (Non-Finnish) descent in gnomAD. At this time, the clinical significance of this variant is uncertain due to the absence of conclusive functional and genetic evidence.

Ambry Genetics
Classification: Uncertain significance for Cardiovascular phenotype. Last evaluated: 2025-08-28. Review status: criteria provided, single submitter. Criteria: Ambry Variant Classification Scheme 2023. Collection method: clinical testing. Allele origin: germline.
Comment: The p.K1617T variant (also known as c.4850A>C), located in coding exon 31 of the MYH6 gene, results from an A to C substitution at nucleotide position 4850. The lysine at codon 1617 is replaced by threonine, an amino acid with similar properties. This variant has been reported in cases from a cohort with left ventricular noncompaction and hypertrabeculation (Miszalski-Jamka K et al. Circ Cardiovasc Genet, 2017 Aug;10). This amino acid position is highly conserved in available vertebrate species. In addition, this alteration is predicted to be deleterious by in silico analysis. Since supporting evidence is limited at this time, the clinical significance of this alteration remains unclear.

Labcorp Genetics (formerly Invitae), Labcorp
Classification: Uncertain significance for Hypertrophic cardiomyopathy 14. Last evaluated: 2024-08-06. Review status: criteria provided, single submitter. Criteria: Invitae Variant Classification Sherloc (09022015). Collection method: clinical testing. Allele origin: germline.
Comment: This sequence change replaces lysine, which is basic and polar, with threonine, which is neutral and polar, at codon 1617 of the MYH6 protein (p.Lys1617Thr). This variant is present in population databases (rs141375292, gnomAD 0.002%). This missense change has been observed in individual(s) with clinical features of MYH6-related conditions (PMID: 28798025, 35893073). ClinVar contains an entry for this variant (Variation ID: 1743580). Advanced modeling of protein sequence and biophysical properties (such as structural, functional, and spatial information, amino acid conservation, physicochemical variation, residue mobility, and thermodynamic stability) performed at Invitae indicates that this missense variant is expected to disrupt MYH6 protein function with a positive predictive value of 80%. In summary, the available evidence is currently insufficient to determine the role of this variant in disease. Therefore, it has been classified as a Variant of Uncertain Significance.

Literature cited by the submitters: PubMed 28798025 (cited by Ambry Genetics and Labcorp Genetics (formerly Invitae), Labcorp); PubMed 35893073 (cited by Labcorp Genetics (formerly Invitae), Labcorp).